The following is an entry in ClinVar:

ClinVar aggregate classification (germline): Uncertain significance (1 of 4 stars; one submission).

Allele frequency attached by ClinVar (database versions not stated): gnomAD exomes below 0.00001.
gnomAD v4.1: 3 of 1,614,134 alleles (0.00019%); highest among the groups gnomAD compares: Middle Eastern, 0.016%; no homozygotes.

Submission:

Labcorp Genetics (formerly Invitae), Labcorp
Classification: Uncertain significance. Last evaluated: 2022-07-30. Review status: criteria provided, single submitter. Criteria: Invitae Variant Classification Sherloc (09022015). Collection method: clinical testing. Allele origin: germline.
Comment: This sequence change replaces glutamic acid, which is acidic and polar, with glycine, which is neutral and non-polar, at codon 1408 of the PCDH15 protein (p.Glu1408Gly). This variant is present in population databases (no rsID available, gnomAD no frequency). This variant has not been reported in the literature in individuals affected with PCDH15-related conditions. Algorithms developed to predict the effect of missense changes on protein structure and function are either unavailable or do not agree on the potential impact of this missense change (SIFT: "Deleterious"; PolyPhen-2: "Probably Damaging"; Align-GVGD: "Class C0"). In summary, the available evidence is currently insufficient to determine the role of this variant in disease. Therefore, it has been classified as a Variant of Uncertain Significance.

NM_001384140.1(PCDH15):c.4223A>G (p.Glu1408Gly)

Gene: PCDH15 (protocadherin related 15; minus strand). Cytogenetic location: 10q21.1.
Variant type: single nucleotide variant.
Coding change: c.4223A>G on transcript NM_001384140.1 (MANE Select); coding-DNA position 4223, A replaced by G.
Protein change: p.Glu1408Gly; replaces glutamic acid 1408 with glycine.
Molecular consequence: missense variant.
Genome position (GRCh38, 1-based): chr10:53,827,537, T>C on the plus strand (A>G on the coding strand, the complement: PCDH15 is on the minus strand). VCF-style: chr10-53827537-T-C. GRCh37 (hg19) VCF-style: chr10-55587297-T-C.
Other names: c.4238A>G, p.Glu1413Gly (NM_001142763.2, NM_001142771.2); c.4223A>G, p.Glu1408Gly (NM_001142764.2, NM_001142770.3, NM_001142772.2 and 3 more transcripts); c.4010A>G, p.Glu1337Gly (NM_001142765.2); c.4214A>G, p.Glu1405Gly (NM_001142766.2); c.4103A>G, p.Glu1368Gly (NM_001142767.2); c.4157A>G, p.Glu1386Gly (NM_001142768.2, NM_001354404.2); c.4259A>G, p.Glu1420Gly (NM_001142769.4); c.4148A>G, p.Glu1383Gly (NM_001142773.2); and 1 more; short protein forms E1408G, E1415G, E1368G, E1383G, E1420G, E1337G, E1386G, E1405G.
Identifiers: ClinVar variation 2173278 (VCV002173278.1), dbSNP rs1180277121, ClinGen allele CA376527833.